The following is an entry in ClinVar:

NM_013272.4(SLCO3A1):c.1380A>G (p.Ala460=)

Gene: SLCO3A1 (solute carrier organic anion transporter family member 3A1; plus strand). Cytogenetic location: 15q26.1.
Variant type: single nucleotide variant.
Coding change: c.1380A>G on transcript NM_013272.4 (MANE Select); coding-DNA position 1380, A replaced by G.
Protein change: p.Ala460=; no amino-acid change (alanine 460 retained).
Molecular consequence: synonymous variant. On other transcripts: non-coding transcript variant (1).
Genome position (GRCh38, 1-based): chr15:92,128,357, A>G. VCF-style: chr15-92128357-A-G. GRCh37 (hg19) VCF-style: chr15-92671587-A-G.
Other names: c.1380A>G, p.Ala460= (NM_001145044.1).
Identifiers: ClinVar variation 2645718 (VCV002645718.24), dbSNP rs117100186, ClinGen allele CA7746208.

ClinVar aggregate classification (germline): Likely benign (1 of 4 stars; one submission).

Allele frequency attached by ClinVar (database versions not stated): TOPMed 0.00072; 1000 Genomes Project 30x 0.00078; 1000 Genomes Project 0.00080; gnomAD 0.00108; ESP Exome Variant Server 0.00115; gnomAD exomes 0.00139; ExAC 0.00143.
gnomAD v4.1: 2,173 of 1,613,802 alleles (0.13%); highest among the groups gnomAD compares: Non-Finnish European, 0.15%; 2 homozygotes.

Submission:

CeGaT Center for Human Genetics Tuebingen
Classification: Likely benign. Last evaluated: 2023-03-01. Review status: criteria provided, single submitter. Criteria: CeGaT Center For Human Genetics Tuebingen Variant Classification Criteria Version 2. Collection method: clinical testing. Allele origin: germline. Affected: yes. Observed: 1 variant allele.
Comment: SLCO3A1: BP4, BP7